The following is an entry in ClinVar:

ClinVar aggregate classification (germline): Uncertain significance (1 of 4 stars; one submission).

Conditions:
Lowe syndrome (OCRL). Also called: Oculocerebrorenal Syndrome; LOWE OCULOCEREBRORENAL SYNDROME; PHOSPHATIDYLINOSITOL 4,5-BISPHOSPHATE 5-PHOSPHATASE DEFICIENCY. Identifiers: Orphanet 534, MedGen C0028860, MONDO:0010645, OMIM 309000.

Submission:

Labcorp Genetics (formerly Invitae), Labcorp
Classification: Uncertain significance for Lowe syndrome. Last evaluated: 2021-07-05. Review status: criteria provided, single submitter. Criteria: Invitae Variant Classification Sherloc (09022015). Collection method: clinical testing. Allele origin: germline.
Comment: In summary, the available evidence is currently insufficient to determine the role of this variant in disease. Therefore, it has been classified as a Variant of Uncertain Significance. Algorithms developed to predict the effect of missense changes on protein structure and function are either unavailable or do not agree on the potential impact of this missense change (SIFT: "Deleterious"; PolyPhen-2: "Possibly Damaging"; Align-GVGD: "Class C0"). This variant has not been reported in the literature in individuals affected with OCRL-related conditions. This variant is not present in population databases (ExAC no frequency). This sequence change replaces valine with alanine at codon 111 of the OCRL protein (p.Val111Ala). The valine residue is moderately conserved and there is a small physicochemical difference between valine and alanine.

NM_000276.4(OCRL):c.332T>C (p.Val111Ala)

Gene: OCRL (OCRL inositol polyphosphate-5-phosphatase; plus strand). Cytogenetic location: Xq26.1.
Variant type: single nucleotide variant.
Coding change: c.332T>C on transcript NM_000276.4 (MANE Select); coding-DNA position 332, T replaced by C.
Protein change: p.Val111Ala; replaces valine 111 with alanine.
Molecular consequence: missense variant.
Genome position (GRCh38, 1-based): chrX:129,557,418, T>C. VCF-style: chrX-129557418-T-C. GRCh37 (hg19) VCF-style: chrX-128691395-T-C.
Other names: c.335T>C, p.Val112Ala (NM_001318784.2); c.332T>C, p.Val111Ala (NM_001587.4); short protein forms V111A, V112A.
Identifiers: ClinVar variation 1478664 (VCV001478664.8), dbSNP rs2124401168, ClinGen allele CA414550984.